The following is an entry in ClinVar:

NM_000540.3(RYR1):c.6611A>G (p.His2204Arg)

Gene: RYR1 (ryanodine receptor 1; plus strand). Cytogenetic location: 19q13.2.
Variant type: single nucleotide variant.
Coding change: c.6611A>G on transcript NM_000540.3 (MANE Select); coding-DNA position 6611, A replaced by G.
Protein change: p.His2204Arg; replaces histidine 2204 with arginine.
Molecular consequence: missense variant.
Genome position (GRCh38, 1-based): chr19:38,496,277, A>G. VCF-style: chr19-38496277-A-G. GRCh37 (hg19) VCF-style: chr19-38986917-A-G.
Other names: c.6611A>G, p.His2204Arg (NM_001042723.2); short protein forms H2204R.
Identifiers: ClinVar variation 1001468 (VCV001001468.8), dbSNP rs1969819699, ClinGen allele CA405665875.

ClinVar aggregate classification (germline): Uncertain significance (1 of 4 stars; one submission).

Conditions:
RYR1-related disorder. Also called: RYR1-related condition; RYR1-related disorders. Identifiers: MedGen CN239331.

Submission:

Labcorp Genetics (formerly Invitae), Labcorp
Classification: Uncertain significance for RYR1-related disorder. Last evaluated: 2022-02-10. Review status: criteria provided, single submitter. Criteria: Invitae Variant Classification Sherloc (09022015). Collection method: clinical testing. Allele origin: germline.
Comment: ClinVar contains an entry for this variant (Variation ID: 1001468). Advanced modeling of protein sequence and biophysical properties (such as structural, functional, and spatial information, amino acid conservation, physicochemical variation, residue mobility, and thermodynamic stability) performed at Invitae indicates that this missense variant is expected to disrupt RYR1 protein function. In summary, the available evidence is currently insufficient to determine the role of this variant in disease. Therefore, it has been classified as a Variant of Uncertain Significance. This variant has not been reported in the literature in individuals affected with RYR1-related conditions. This sequence change replaces histidine, which is basic and polar, with arginine, which is basic and polar, at codon 2204 of the RYR1 protein (p.His2204Arg). This variant is not present in population databases (gnomAD no frequency).